The following is an entry in ClinVar:

NM_001244926.2(PRPF4):c.-79C>G

Gene: PRPF4 (pre-mRNA splicing tri-snRNP complex factor PRPF4; plus strand). Cytogenetic location: 9q32.
Variant type: single nucleotide variant.
Coding change: c.-79C>G on transcript NM_001244926.2 (MANE Select); 79 bases upstream of the start codon, C replaced by G.
Molecular consequence: 5 prime UTR variant. On other transcripts: non-coding transcript variant (2).
Genome position (GRCh38, 1-based): chr9:113,275,665, C>G. VCF-style: chr9-113275665-C-G. GRCh37 (hg19) VCF-style: chr9-116037945-C-G.
Other names: c.-844C>G (NM_001322266.2); c.-847C>G (NM_001322267.2); c.-79C>G (NM_004697.5).
Identifiers: ClinVar variation 3657204 (VCV003657204.2).

ClinVar aggregate classification (germline): Uncertain significance (1 of 4 stars; one submission).

Submission:

Labcorp Genetics (formerly Invitae), Labcorp
Classification: Uncertain significance. Last evaluated: 2025-03-19. Review status: criteria provided, single submitter. Criteria: Invitae Variant Classification Sherloc (09022015). Collection method: clinical testing. Allele origin: germline.
Comment: This variant occurs in a non-coding region of the PRPF4 gene. It does not change the encoded amino acid sequence of the PRPF4 protein. This variant is not present in population databases (gnomAD no frequency). This variant has not been reported in the literature in individuals affected with PRPF4-related conditions. In summary, the available evidence is currently insufficient to determine the role of this variant in disease. Therefore, it has been classified as a Variant of Uncertain Significance.